The following is an entry in ClinVar:

ClinVar aggregate classification (germline): Uncertain significance (1 of 4 stars; one submission).

Conditions:
Dilated cardiomyopathy 1DD (CMD1DD). Identifiers: Orphanet 154, MedGen C2750995, MONDO:0013168, OMIM 613172.

Submission:

Labcorp Genetics (formerly Invitae), Labcorp
Classification: Uncertain significance for Dilated cardiomyopathy 1DD. Last evaluated: 2023-02-21. Review status: criteria provided, single submitter. Criteria: Invitae Variant Classification Sherloc (09022015). Collection method: clinical testing. Allele origin: germline.
Comment: ClinVar contains an entry for this variant (Variation ID: 967242). This sequence change replaces tyrosine, which is neutral and polar, with phenylalanine, which is neutral and non-polar, at codon 1110 of the RBM20 protein (p.Tyr1110Phe). This variant is not present in population databases (gnomAD no frequency). This variant has not been reported in the literature in individuals affected with RBM20-related conditions. Advanced modeling of protein sequence and biophysical properties (such as structural, functional, and spatial information, amino acid conservation, physicochemical variation, residue mobility, and thermodynamic stability) performed at Invitae indicates that this missense variant is not expected to disrupt RBM20 protein function. In summary, the available evidence is currently insufficient to determine the role of this variant in disease. Therefore, it has been classified as a Variant of Uncertain Significance.

NM_001134363.3(RBM20):c.3329A>T (p.Tyr1110Phe)

Gene: RBM20 (RNA binding motif protein 20; plus strand). Cytogenetic location: 10q25.2.
Variant type: single nucleotide variant.
Coding change: c.3329A>T on transcript NM_001134363.3 (MANE Select); coding-DNA position 3329, A replaced by T.
Protein change: p.Tyr1110Phe; replaces tyrosine 1110 with phenylalanine.
Molecular consequence: missense variant.
Genome position (GRCh38, 1-based): chr10:110,823,492, A>T. VCF-style: chr10-110823492-A-T. GRCh37 (hg19) VCF-style: chr10-112583250-A-T.
Other names: short protein forms Y1110F.
Identifiers: ClinVar variation 967242 (VCV000967242.9), dbSNP rs1844943542, ClinGen allele CA378383414.